The following is an entry in ClinVar:

ClinVar aggregate classification (germline): Uncertain significance. Review status: criteria provided, multiple submitters, no conflicts (2 of 4 stars). 3 submissions from 3 submitters: Uncertain significance (3). Last evaluated 2023-06-30.

Conditions:
Inborn genetic diseases. Identifiers: MedGen C0950123, MeSH D030342.
Charcot-Marie-Tooth disease type 4. Also called: Charcot-Marie-Tooth disease, type IV; Charcot-Marie-Tooth, Type 4. Identifiers: Orphanet 64749, MedGen C4082197, MONDO:0018995.

Allele frequency attached by ClinVar (database versions not stated): ExAC 0.00001.
gnomAD v4.1: 41 of 1,613,166 alleles (0.0025%); highest among the groups gnomAD compares: Non-Finnish European, 0.0034%; no homozygotes.

Submissions (3):

Ambry Genetics
Classification: Uncertain significance for Inborn genetic diseases. Last evaluated: 2023-06-30. Review status: criteria provided, single submitter. Criteria: Ambry Variant Classification Scheme 2023. Collection method: clinical testing. Allele origin: germline.

Mayo Clinic Laboratories, Mayo Clinic
Classification: Uncertain significance. Last evaluated: 2023-03-06. Review status: criteria provided, single submitter. Criteria: ACMG Guidelines, 2015. Collection method: clinical testing. Allele origin: germline. Observed: 2 variant alleles.
Comment: BP4

Labcorp Genetics (formerly Invitae), Labcorp
Classification: Uncertain significance for Charcot-Marie-Tooth disease type 4. Last evaluated: 2022-03-12. Review status: criteria provided, single submitter. Criteria: Invitae Variant Classification Sherloc (09022015). Collection method: clinical testing. Allele origin: germline.
Comment: This sequence change replaces proline, which is neutral and non-polar, with alanine, which is neutral and non-polar, at codon 718 of the FIG4 protein (p.Pro718Ala). This variant is present in population databases (rs199801181, gnomAD 0.002%). This missense change has been observed in individual(s) with clinical feature of Charcot-Marie-Tooth disease (PMID: 32376792). Algorithms developed to predict the effect of missense changes on protein structure and function (SIFT, PolyPhen-2, Align-GVGD) all suggest that this variant is likely to be tolerated. In summary, the available evidence is currently insufficient to determine the role of this variant in disease. Therefore, it has been classified as a Variant of Uncertain Significance.

Literature cited by the submitters: PubMed 32376792 (cited by 3 submitters).

NM_014845.6(FIG4):c.2152C>G (p.Pro718Ala)

Gene: FIG4 (FIG4 phosphoinositide 5-phosphatase; plus strand). Cytogenetic location: 6q21.
Variant type: single nucleotide variant.
Coding change: c.2152C>G on transcript NM_014845.6 (MANE Select); coding-DNA position 2152, C replaced by G.
Protein change: p.Pro718Ala; replaces proline 718 with alanine.
Molecular consequence: missense variant.
Genome position (GRCh38, 1-based): chr6:109,789,649, C>G. VCF-style: chr6-109789649-C-G. GRCh37 (hg19) VCF-style: chr6-110110852-C-G.
Other names: p.Pro718Ala; short protein forms P718A.
Identifiers: ClinVar variation 1511401 (VCV001511401.10), dbSNP rs199801181, ClinGen allele CA3956299.
Genomic context (GRCh38, chr6:109,789,649, plus strand): 5'-TTTAGTGACTTTATGCCTAAGACCGTTGGAATTGATCCAAGTCCATTTACTGTGCGTAAA[C>G]CAGATGAAACTGGAAAATCAGTATTGGGGTAAGATTTGTGTATAGAACGAAACTTTAAAG-3'
Protein context (NP_055660.1, residues 708-728): IDPSPFTVRK[Pro718Ala]DETGKSVLGN